The following is an entry in ClinVar:

ClinVar aggregate classification (germline): Uncertain significance (1 of 4 stars; one submission).

Conditions:
Autosomal recessive limb-girdle muscular dystrophy type 2J (LGMDR10). Also called: Limb-girdle muscular dystrophy, type 2J; MUSCULAR DYSTROPHY, LIMB-GIRDLE, AUTOSOMAL RECESSIVE 10. Identifiers: Orphanet 140922, MedGen C1837342, MONDO:0012127, OMIM 608807.
Dilated cardiomyopathy 1G (CMD1G). Identifiers: Orphanet 154, MedGen C1858763, MONDO:0011400, OMIM 604145.

Submission:

Labcorp Genetics (formerly Invitae), Labcorp
Classification: Uncertain significance for Dilated cardiomyopathy 1G; Autosomal recessive limb-girdle muscular dystrophy type 2J. Last evaluated: 2017-05-10. Review status: criteria provided, single submitter. Criteria: Invitae Variant Classification Sherloc (09022015). Collection method: clinical testing. Allele origin: germline.
Comment: This sequence change replaces aspartic acid with tyrosine at codon 34628 of the TTN protein (p.Asp34628Tyr). There is a large physicochemical difference between aspartic acid and tyrosine. This variant is not present in population databases (ExAC no frequency) and has not been reported in the literature in individuals with a TTN-related disease. In summary, this variant is a novel missense change with unknown impact on protein function. Missense variants in this region of the TTN gene are typically not causative for cardiac disease, but may be relevant for neuromuscular disorders. However, the available evidence is currently insufficient to determine this variant’s role in disease. Therefore, it has been classified as a Variant of Uncertain Significance. Algorithms developed to predict the effect of missense changes on protein structure and function are unavailable for the TTN gene. This variant identified in the TTN gene is located in the M band of the resulting protein (PMID: 25589632). It is unclear how this variant impacts the function of this protein.

Literature cited by the submitters: PubMed 25589632.

NM_001267550.2(TTN):c.103882G>T (p.Asp34628Tyr)

Genes: TTN (titin; minus strand), TTN-AS1 (TTN antisense RNA 1; plus strand). Cytogenetic location: 2q31.2.
Variant type: single nucleotide variant.
Coding change: c.103882G>T on transcript NM_001267550.2 (MANE Select); coding-DNA position 103882, G replaced by T.
Protein change: p.Asp34628Tyr; replaces aspartic acid 34628 with tyrosine.
Molecular consequence: missense variant.
Genome position (GRCh38, 1-based): chr2:178,532,733, C>A on the plus strand (G>T on the coding strand, the complement: TTN is on the minus strand). VCF-style: chr2-178532733-C-A. GRCh37 (hg19) VCF-style: chr2-179397460-C-A.
Other names: c.98959G>T, p.Asp32987Tyr (NM_001256850.1); c.76687G>T, p.Asp25563Tyr (NM_003319.4); c.96178G>T, p.Asp32060Tyr (NM_133378.4); c.77062G>T, p.Asp25688Tyr (NM_133432.3); c.77263G>T, p.Asp25755Tyr (NM_133437.4); short protein forms D34628Y, D25563Y, D25688Y, D32060Y, D25755Y, D32987Y.
Identifiers: ClinVar variation 466721 (VCV000466721.7), dbSNP rs1553490035, ClinGen allele CA349413010.